The following is an entry in ClinVar:

NM_007227.3(GPR45):c.751C>T (p.Arg251Trp)

Gene: GPR45 (G protein-coupled receptor 45; plus strand). Cytogenetic location: 2q12.1.
Variant type: single nucleotide variant.
Coding change: c.751C>T on transcript NM_007227.3 (MANE Select); coding-DNA position 751, C replaced by T.
Protein change: p.Arg251Trp; replaces arginine 251 with tryptophan.
Molecular consequence: missense variant.
Genome position (GRCh38, 1-based): chr2:105,242,609, C>T. VCF-style: chr2-105242609-C-T. GRCh37 (hg19) VCF-style: chr2-105859066-C-T.
Other names: short protein forms R251W.
Identifiers: ClinVar variation 1420542 (VCV001420542.7), dbSNP rs112504064, ClinGen allele CA1813649.

ClinVar aggregate classification (germline): Uncertain significance. Review status: criteria provided, multiple submitters, no conflicts (2 of 4 stars). 2 submissions from 2 submitters: Uncertain significance (2). Last evaluated 2025-05-14.

Allele frequency attached by ClinVar (database versions not stated): ExAC 0.00006; ESP Exome Variant Server 0.00008.

Submissions (2):

Labcorp Genetics (formerly Invitae), Labcorp
Classification: Uncertain significance. Last evaluated: 2025-05-14. Review status: criteria provided, single submitter. Criteria: Invitae Variant Classification Sherloc (09022015). Collection method: clinical testing. Allele origin: germline.
Comment: This sequence change replaces arginine, which is basic and polar, with tryptophan, which is neutral and slightly polar, at codon 251 of the GPR45 protein (p.Arg251Trp). This variant is present in population databases (rs112504064, gnomAD 0.01%). This variant has not been reported in the literature in individuals affected with GPR45-related conditions. ClinVar contains an entry for this variant (Variation ID: 1420542). An algorithm developed to predict the effect of missense changes on protein structure and function (PolyPhen-2) suggests that this variant is likely to be disruptive. In summary, the available evidence is currently insufficient to determine the role of this variant in disease. Therefore, it has been classified as a Variant of Uncertain Significance.

Ambry Genetics
Classification: Uncertain significance. Last evaluated: 2021-10-06. Review status: criteria provided, single submitter. Criteria: Ambry Variant Classification Scheme 2023. Collection method: clinical testing. Allele origin: germline.